The following is an entry in ClinVar:

NM_001165963.4(SCN1A):c.266C>T (p.Thr89Ile)

Gene: SCN1A (sodium voltage-gated channel alpha subunit 1; minus strand). Cytogenetic location: 2q24.3.
Variant type: single nucleotide variant.
Coding change: c.266C>T on transcript NM_001165963.4 (MANE Select); coding-DNA position 266, C replaced by T.
Protein change: p.Thr89Ile; replaces threonine 89 with isoleucine.
Molecular consequence: missense variant. On other transcripts: 5 prime UTR variant (1), non-coding transcript variant (1).
Genome position (GRCh38, 1-based): chr2:166,058,687, G>A on the plus strand (C>T on the coding strand, the complement: SCN1A is on the minus strand). VCF-style: chr2-166058687-G-A. GRCh37 (hg19) VCF-style: chr2-166915197-G-A.
Other names: c.266C>T, p.Thr89Ile (NM_001165964.3, NM_001202435.3, NM_001353948.2 and 10 more transcripts); c.-2160C>T (NM_001353961.2); short protein forms T89I.
Identifiers: ClinVar variation 656722 (VCV000656722.10), dbSNP rs1574302474, ClinGen allele CA349077319.

ClinVar aggregate classification (germline): Uncertain significance. Review status: criteria provided, multiple submitters, no conflicts (2 of 4 stars). 2 submissions from 2 submitters: Uncertain significance (2). Last evaluated 2025-09-12.

Conditions:
Early-infantile DEE. Also called: Early infantile epileptic encephalopathy; Ohtahara syndrome; Early infantile epileptic encephalopathy with suppression bursts. Identifiers: Orphanet 1934, MedGen C0393706, MONDO:0800491.

Submissions (2):

Women's Health and Genetics/Laboratory Corporation of America, LabCorp
Classification: Uncertain significance. Last evaluated: 2025-09-12. Review status: criteria provided, single submitter. Criteria: LabCorp Variant Classification Summary - May 2015. Collection method: clinical testing. Allele origin: germline.
Comment: Variant summary: SCN1A c.266C>T (p.Thr89Ile) results in a non-conservative amino acid change in the encoded protein sequence. Algorithms developed to predict the effect of missense changes on protein structure and function all suggest that this variant is likely to be disruptive. Consensus agreement among computation tools predict no significant impact on normal splicing. However, these predictions have yet to be confirmed by functional studies. The variant was absent in 251014 control chromosomes. The available data on variant occurrences in the general population are insufficient to allow any conclusion about variant significance. To our knowledge, no occurrence of c.266C>T in individuals affected with SCN1A-related conditions and no experimental evidence demonstrating its impact on protein function have been reported. ClinVar contains an entry for this variant (Variation ID: 656722). Based on the evidence outlined above, the variant was classified as uncertain significance.

Labcorp Genetics (formerly Invitae), Labcorp
Classification: Uncertain significance for Early-infantile DEE. Last evaluated: 2024-02-16. Review status: criteria provided, single submitter. Criteria: Invitae Variant Classification Sherloc (09022015). Collection method: clinical testing. Allele origin: germline.
Comment: This sequence change replaces threonine, which is neutral and polar, with isoleucine, which is neutral and non-polar, at codon 89 of the SCN1A protein (p.Thr89Ile). This variant is not present in population databases (gnomAD no frequency). This missense change has been observed in individual(s) with febrile and afebrile seizures (Invitae). ClinVar contains an entry for this variant (Variation ID: 656722). An algorithm developed to predict the effect of missense changes on protein structure and function (PolyPhen-2) suggests that this variant is likely to be tolerated. In summary, the available evidence is currently insufficient to determine the role of this variant in disease. Therefore, it has been classified as a Variant of Uncertain Significance.